The following is an entry in ClinVar:

ClinVar aggregate classification (germline): Uncertain significance (1 of 4 stars; one submission).

Conditions:
Inborn genetic diseases. Identifiers: MedGen C0950123, MeSH D030342.

Submission:

Ambry Genetics
Classification: Uncertain significance for Inborn genetic diseases. Last evaluated: 2026-06-26. Review status: criteria provided, single submitter. Criteria: Ambry Variant Classification Scheme 2023. Collection method: clinical testing. Allele origin: germline.
Comment: The p.A342V variant (also known as c.1025C>T), located in coding exon 5 of the SH2B3 gene, results from a C to T substitution at nucleotide position 1025. The alanine at codon 342 is replaced by valine, an amino acid with similar properties. This amino acid position is conserved. In addition, this alteration is predicted to be tolerated by in silico analysis. Based on the available evidence, the clinical significance of this variant remains unclear.

NM_005475.3(SH2B3):c.1025C>T (p.Ala342Val)

Gene: SH2B3 (SH2B adaptor protein 3; plus strand). Cytogenetic location: 12q24.12.
Variant type: single nucleotide variant.
Coding change: c.1025C>T on transcript NM_005475.3 (MANE Select); coding-DNA position 1025, C replaced by T.
Protein change: p.Ala342Val; replaces alanine 342 with valine.
Molecular consequence: missense variant.
Genome position (GRCh38, 1-based): chr12:111,447,333, C>T. VCF-style: chr12-111447333-C-T. GRCh37 (hg19) VCF-style: chr12-111885137-C-T.
Other names: c.419C>T, p.Ala140Val (NM_001291424.1); short protein forms A140V, A342V.
Identifiers: ClinVar variation 5029458 (VCV005029458.1).